The following is an entry in ClinVar:

ClinVar aggregate classification (germline): Pathogenic (1 of 4 stars; one submission).

Conditions:
Kabuki syndrome. Also called: NIIKAWA-KUROKI SYNDROME; Kabuki make-up syndrome. Identifiers: Orphanet 2322, MedGen C0796004, MONDO:0016512.

Submission:

Labcorp Genetics (formerly Invitae), Labcorp
Classification: Pathogenic for Kabuki syndrome. Last evaluated: 2018-09-26. Review status: criteria provided, single submitter. Criteria: Invitae Variant Classification Sherloc (09022015). Collection method: clinical testing. Allele origin: germline.
Comment: For these reasons, this variant has been classified as Pathogenic. Loss-of-function variants in KMT2D are known to be pathogenic (PMID: 22126750). This variant has not been reported in the literature in individuals with KMT2D-related disease. This variant is not present in population databases (ExAC no frequency). This sequence change creates a premature translational stop signal (p.Leu238Cysfs*23) in the KMT2D gene. It is expected to result in an absent or disrupted protein product.

Literature cited by the submitters: PubMed 22126750.

NM_003482.4(KMT2D):c.713del (p.Leu238fs)

Gene: KMT2D (lysine methyltransferase 2D; minus strand). Cytogenetic location: 12q13.12.
Variant type: Deletion.
Coding change: c.713del on transcript NM_003482.4 (MANE Select); coding-DNA position 713, one base deleted (T; older notation c.713delT).
Protein change: p.Leu238fs; shifts the reading frame from leucine 238.
Molecular consequence: frameshift variant.
Genome position (GRCh38, 1-based): chr12:49,053,602, A deleted on the plus strand (T on the coding strand, the reverse complement: KMT2D is on the minus strand); the first of 2 consecutive A bases (chr12:49,053,602-49,053,603); deleting either gives the same sequence. VCF-style (leftmost placement, unchanged base first): chr12-49053601-CA-C. GRCh37 (hg19) VCF-style: chr12-49447384-CA-C.
Other names: c.713delT (NM_003482.3); short protein forms L238fs.
Identifiers: ClinVar variation 642765 (VCV000642765.7), dbSNP rs1592160494, ClinGen allele CA915948539.